The following is an entry in ClinVar:

ClinVar aggregate classification (germline): Pathogenic/Likely pathogenic. Review status: criteria provided, multiple submitters, no conflicts (2 of 4 stars). 5 submissions from 5 submitters: Pathogenic (3); Likely pathogenic (2). Last evaluated 2026-03-31.

Conditions:
Cardiovascular phenotype. Identifiers: MedGen CN230736.
Hereditary cancer-predisposing syndrome. Also called: Hereditary Cancer Syndrome; Neoplastic Syndromes, Hereditary; Tumor predisposition; Hereditary neoplastic syndrome. Identifiers: Orphanet 140162, MedGen C0027672, MeSH D009386, MONDO:0015356.
Neurofibromatosis, type 1 (NF1). Also called: Peripheral type neurofibromatosis; VON RECKLINGHAUSEN DISEASE; Neurofibromatosis, type I; NEUROFIBROMATOSIS, TYPE I, SOMATIC. Identifiers: Orphanet 636, MedGen C0027831, MONDO:0018975, OMIM 162200. Disease mechanism: loss of function.

Submissions (5):

Ambry Genetics
Classification: Likely pathogenic for Cardiovascular phenotype; Hereditary cancer-predisposing syndrome. Last evaluated: 2026-03-31. Review status: criteria provided, single submitter. Criteria: Ambry Variant Classification Scheme 2023. Collection method: clinical testing. Allele origin: germline.
Comment: The c.6085-2A>G intronic variant results from an A to G substitution two nucleotides upstream from coding exon 41 in the NF1 gene. This variant was reported in individual(s) with features consistent with Neurofibromatosis type 1 (Paterra R et al. Cancers (Basel), 2022 Dec;15:). This variant is considered to be rare based on population cohorts in the Genome Aggregation Database (gnomAD). This nucleotide position is highly conserved in available vertebrate species. In silico splice site analysis predicts that this alteration will weaken the native splice acceptor site. Variants that disrupt the canonical splice site are expected to cause aberrant splicing, resulting in an abnormal protein or a transcript that is subject to nonsense-mediated mRNA decay. Based on the majority of available evidence to date, this variant is likely to be pathogenic.

GeneDx
Classification: Pathogenic. Last evaluated: 2024-09-11. Review status: criteria provided, single submitter. Criteria: GeneDx Variant Classification Process June 2021. Collection method: clinical testing. Allele origin: germline. Affected: yes.
Comment: Canonical splice site variant predicted to result in a null allele in a gene for which loss of function is a known mechanism of disease; Not observed at significant frequency in large population cohorts (gnomAD); This variant is associated with the following publications: (PMID: 28422438, 30287823, 31370276, Bahsi2020[article], 36612057)

Labcorp Genetics (formerly Invitae), Labcorp
Classification: Pathogenic for Neurofibromatosis, type 1. Last evaluated: 2024-03-10. Review status: criteria provided, single submitter. Criteria: Invitae Variant Classification Sherloc (09022015). Collection method: clinical testing. Allele origin: germline.
Comment: This sequence change affects an acceptor splice site in intron 40 of the NF1 gene. It is expected to disrupt RNA splicing. Variants that disrupt the donor or acceptor splice site typically lead to a loss of protein function (PMID: 16199547), and loss-of-function variants in NF1 are known to be pathogenic (PMID: 10712197, 23913538). This variant is not present in population databases (gnomAD no frequency). Disruption of this splice site has been observed in individual(s) with breast cancer and/or clinical features of neurofibromatosis type 1 (PMID: 28422438, 30287823, 31370276). ClinVar contains an entry for this variant (Variation ID: 996440). Algorithms developed to predict the effect of sequence changes on RNA splicing suggest that this variant may disrupt the consensus splice site. For these reasons, this variant has been classified as Pathogenic.

Genome-Nilou Lab
Classification: Pathogenic for Neurofibromatosis, type 1. Last evaluated: 2022-03-15. Review status: criteria provided, single submitter. Criteria: ACMG Guidelines, 2015. Collection method: clinical testing. Allele origin: germline. Affected: no.

Genome Diagnostics Laboratory, The Hospital for Sick Children
Classification: Likely pathogenic for Neurofibromatosis, type 1. Last evaluated: 2020-10-26. Review status: criteria provided, single submitter. Criteria: ACMG Guidelines, 2015. Collection method: clinical testing. Allele origin: germline. Affected: yes.

Literature cited by the submitters: PubMed 36612057 (cited by Ambry Genetics); PubMed 16199547 (cited by Labcorp Genetics (formerly Invitae), Labcorp); PubMed 10712197 (cited by Labcorp Genetics (formerly Invitae), Labcorp); PubMed 23913538 (cited by Labcorp Genetics (formerly Invitae), Labcorp); PubMed 28422438 (cited by Labcorp Genetics (formerly Invitae), Labcorp); PubMed 30287823 (cited by Labcorp Genetics (formerly Invitae), Labcorp); PubMed 31370276 (cited by Labcorp Genetics (formerly Invitae), Labcorp).

NM_001042492.3(NF1):c.6148-2A>G

Gene: NF1 (neurofibromin 1; plus strand). Cytogenetic location: 17q11.2.
Variant type: single nucleotide variant.
Coding change: c.6148-2A>G on transcript NM_001042492.3 (MANE Select); the canonical splice acceptor site of the intron before coding-DNA position 6148, A replaced by G.
Molecular consequence: splice acceptor variant.
Genome position (GRCh38, 1-based): chr17:31,336,633, A>G. VCF-style: chr17-31336633-A-G. GRCh37 (hg19) VCF-style: chr17-29663651-A-G.
Other names: c.6085-2A>G (NM_000267.4).
Identifiers: ClinVar variation 996440 (VCV000996440.12), dbSNP rs2069681259, ClinGen allele CA399011656.